The following is an entry in ClinVar:

ClinVar aggregate classification (germline): Pathogenic (1 of 4 stars; one submission).

Conditions:
DICER1-related tumor predisposition. Also called: DICER1 syndrome; DICER1-related pleuropulmonary blastoma cancer predisposition syndrome. Identifiers: Orphanet 284343, MedGen C3839822, MONDO:0100216.

Submission:

Labcorp Genetics (formerly Invitae), Labcorp
Classification: Pathogenic for DICER1-related tumor predisposition. Last evaluated: 2025-09-18. Review status: criteria provided, single submitter. Criteria: Invitae Variant Classification Sherloc (09022015). Collection method: clinical testing. Allele origin: germline.
Comment: This sequence change creates a premature translational stop signal (p.Asn1200Serfs*34) in the DICER1 gene. It is expected to result in an absent or disrupted protein product. Loss-of-function variants in DICER1 are known to be pathogenic (PMID: 19556464, 21266384). This variant is not present in population databases (gnomAD no frequency). This variant has not been reported in the literature in individuals affected with DICER1-related conditions. For these reasons, this variant has been classified as Pathogenic.

Literature cited by the submitters: PubMed 19556464; PubMed 21266384.

NM_177438.3(DICER1):c.3598_3599del (p.Asn1200fs)

Gene: DICER1 (dicer 1, ribonuclease III; minus strand). Cytogenetic location: 14q32.13.
Variant type: Deletion.
Coding change: c.3598_3599del on transcript NM_177438.3 (MANE Select); coding-DNA positions 3598 to 3599, 2 bases deleted (AA; older notation c.3598_3599delAA).
Protein change: p.Asn1200fs; shifts the reading frame from asparagine 1200.
Molecular consequence: frameshift variant. On other transcripts: non-coding transcript variant (6).
Genome position (GRCh38, 1-based): chr14:95,103,797-95,103,798, TT deleted on the plus strand (AA on the coding strand, the reverse complement: DICER1 is on the minus strand); deleting any 2 consecutive bases within chr14:95,103,797-95,103,799 gives the same sequence; the c. name uses the placement nearest the transcript's 3' end. VCF-style (leftmost placement, unchanged base first): chr14-95103796-ATT-A. GRCh37 (hg19) VCF-style: chr14-95570133-ATT-A.
Other names: c.3193_3194del, p.Asn1065fs (NM_001395689.1, NM_001395690.1, NM_001395696.1 and 2 more transcripts); c.3031_3032del, p.Asn1011fs (NM_001395691.1); c.3598_3599del, p.Asn1200fs (NM_001395692.1, NM_001395693.1, NM_001395694.1 and 12 more transcripts); c.1915_1916del, p.Asn639fs (NM_001395697.1); c.3316_3317del, p.Asn1106fs (NM_001395686.1); short protein forms N639fs, N1065fs, N1106fs, N1011fs, N1200fs.
Identifiers: ClinVar variation 4725640 (VCV004725640.1).